The following is an entry in ClinVar:

NM_001999.4(FBN2):c.1238A>G (p.Tyr413Cys)

Gene: FBN2 (fibrillin 2; minus strand). Cytogenetic location: 5q23.3.
Variant type: single nucleotide variant.
Coding change: c.1238A>G on transcript NM_001999.4 (MANE Select); coding-DNA position 1238, A replaced by G.
Protein change: p.Tyr413Cys; replaces tyrosine 413 with cysteine.
Molecular consequence: missense variant.
Genome position (GRCh38, 1-based): chr5:128,393,362, T>C on the plus strand (A>G on the coding strand, the complement: FBN2 is on the minus strand). VCF-style: chr5-128393362-T-C. GRCh37 (hg19) VCF-style: chr5-127729055-T-C.
Other names: short protein forms Y413C.
Identifiers: ClinVar variation 411820 (VCV000411820.42), dbSNP rs576123258, ClinGen allele CA3395837.

ClinVar aggregate classification (germline): Uncertain significance. Review status: criteria provided, multiple submitters, no conflicts (2 of 4 stars). 4 submissions from 4 submitters: Uncertain significance (4). Last evaluated 2026-01-27.

Conditions:
Congenital contractural arachnodactyly (CCA). Also called: Arthrogryposis, distal, type 9; BEALS SYNDROME; Beals-Hecht syndrome. Identifiers: Orphanet 115, MedGen C0220668, MONDO:0007363, OMIM 121050.
Familial thoracic aortic aneurysm and aortic dissection (TAAD). Also called: Thoracic aortic aneurysms and dissections. Identifiers: Orphanet 91387, MedGen C4707243, MONDO:0019625.

Allele frequency attached by ClinVar (database versions not stated): gnomAD 0.00001 and 0.00002; TOPMed 0.00003; ExAC 0.00004; gnomAD exomes 0.00005.
gnomAD v4.1: 80 of 1,613,846 alleles (0.005%); highest among the groups gnomAD compares: Non-Finnish European, 0.0065%; no homozygotes.

Submissions (4):

Labcorp Genetics (formerly Invitae), Labcorp
Classification: Uncertain significance for Congenital contractural arachnodactyly. Last evaluated: 2026-01-27. Review status: criteria provided, single submitter. Criteria: Invitae Variant Classification Sherloc (09022015). Collection method: clinical testing. Allele origin: germline.
Comment: This sequence change replaces tyrosine, which is neutral and polar, with cysteine, which is neutral and slightly polar, at codon 413 of the FBN2 protein (p.Tyr413Cys). This variant is present in population databases (rs576123258, gnomAD 0.01%). This variant has not been reported in the literature in individuals affected with FBN2-related conditions. ClinVar contains an entry for this variant (Variation ID: 411820). Invitae Evidence Modeling of protein sequence and biophysical properties (such as structural, functional, and spatial information, amino acid conservation, physicochemical variation, residue mobility, and thermodynamic stability) indicates that this missense variant is not expected to disrupt FBN2 protein function with a negative predictive value of 80%. In summary, the available evidence is currently insufficient to determine the role of this variant in disease. Therefore, it has been classified as a Variant of Uncertain Significance.

Ambry Genetics
Classification: Uncertain significance for Familial thoracic aortic aneurysm and aortic dissection. Last evaluated: 2025-05-03. Review status: criteria provided, single submitter. Criteria: Ambry Variant Classification Scheme 2023. Collection method: clinical testing. Allele origin: germline.
Comment: The p.Y413C variant (also known as c.1238A>G), located in coding exon 10 of the FBN2 gene, results from an A to G substitution at nucleotide position 1238. The tyrosine at codon 413 is replaced by cysteine, an amino acid with highly dissimilar properties. This amino acid position is well conserved in available vertebrate species. In addition, this alteration is predicted to be deleterious by in silico analysis. Based on the available evidence, the clinical significance of this variant remains unclear.

GeneDx
Classification: Uncertain significance. Last evaluated: 2023-12-14. Review status: criteria provided, single submitter. Criteria: GeneDx Variant Classification Process June 2021. Collection method: clinical testing. Allele origin: germline. Affected: yes.
Comment: In silico analysis supports that this missense variant has a deleterious effect on protein structure/function; Has not been previously published as pathogenic or benign to our knowledge

CeGaT Center for Human Genetics Tuebingen
Classification: Uncertain significance. Last evaluated: 2023-03-01. Review status: criteria provided, single submitter. Criteria: CeGaT Center For Human Genetics Tuebingen Variant Classification Criteria Version 2. Collection method: clinical testing. Allele origin: germline. Affected: yes. Observed: 1 variant allele.